The following is an entry in ClinVar:

NM_020975.4(RET):c.(?_-1)_(*1_?)dup

Gene: RET (ret proto-oncogene; plus strand). Cytogenetic location: 10q11.21.
Variant type: Duplication.
Coding change: c.(?_-1)_(*1_?)dup on transcript NM_020975.4; a large duplication whose breakpoints are not mapped to the base.
Other names: c.(?_-1)_(*1_?)dup (LRG_518t1).
Identifiers: ClinVar variation 216711 (VCV000216711.1).

ClinVar aggregate classification (germline): Uncertain significance (1 of 4 stars; one submission).

Conditions:
Multiple endocrine neoplasia, type 2 (MEN2). Identifiers: Orphanet 653, MedGen C4048306, MONDO:0019003. Disease mechanism: gain of function.

Submission:

Labcorp Genetics (formerly Invitae), Labcorp
Classification: Uncertain significance for Multiple endocrine neoplasia, type 2. Last evaluated: 2015-06-13. Review status: criteria provided, single submitter. Criteria: Invitae Variant Classification Sherloc (09022015). Collection method: clinical testing. Allele origin: germline.
Comment: A gross duplication of the genomic region encompassing the full coding sequence of the RET gene has been identified. This duplication extends to both edges of the assayed region, and the 5' and 3' boundaries of this event are not known. While the exact position of the duplicated exons cannot be determined from this data, the most likely explanation is that it occurs in tandem. While whole gene duplications have not been published in the literature, exon-level duplications of RET have also not been reported. In summary, the impact of this duplication on RET protein function can not be unequivocally established. Therefore, it has been classified as a Variant of Uncertain Significance.